The following is an entry in ClinVar:

ClinVar aggregate classification (germline): Conflicting classifications of pathogenicity. Review status: criteria provided, conflicting classifications (1 of 4 stars). 9 submissions from 9 submitters: Uncertain significance (2); Likely benign (5). 2 of the submissions do not count toward it. Last evaluated 2026-02-01.

Conditions:
LAMA2-related muscular dystrophy (LAMA2-RD). Also called: Laminin alpha 2-related dystrophy. Identifiers: MedGen C5679788, MONDO:0100228.
Congenital muscular dystrophy due to partial LAMA2 deficiency. Identifiers: MedGen C1842898.

Allele frequency attached by ClinVar (database versions not stated): gnomAD exomes 0.00062; ExAC 0.00072; 1000 Genomes Project 0.00200; 1000 Genomes Project 30x 0.00203; gnomAD 0.00236; TOPMed 0.00263; ESP Exome Variant Server 0.00277.
gnomAD v4.1: 810 of 1,612,122 alleles (0.05%); highest among the groups gnomAD compares: African/African-American, 0.87%; no homozygotes.

Submissions (9):

Labcorp Genetics (formerly Invitae), Labcorp
Classification: Likely benign for LAMA2-related muscular dystrophy. Last evaluated: 2026-02-01. Review status: criteria provided, single submitter. Criteria: Invitae Variant Classification Sherloc (09022015). Collection method: clinical testing. Allele origin: germline.

CeGaT Center for Human Genetics Tuebingen
Classification: Likely benign. Last evaluated: 2025-10-01. Review status: criteria provided, single submitter. Criteria: CeGaT Center For Human Genetics Tuebingen Variant Classification Criteria Version 2. Collection method: clinical testing. Allele origin: germline. Affected: yes. Observed: 2 variant alleles.
Comment: LAMA2: BP4

Mayo Clinic Laboratories, Mayo Clinic
Classification: Likely benign. Last evaluated: 2025-01-22. Review status: criteria provided, single submitter. Criteria: ACMG Guidelines, 2015. Collection method: clinical testing. Allele origin: germline. Observed: 4 variant alleles.
Comment: BS1, BP4, BP7

Blueprint Genetics
Classification: Likely benign. Last evaluated: 2024-08-20. Review status: criteria provided, single submitter. Criteria: ACMG Guidelines, 2015. Collection method: clinical testing. Allele origin: germline.

GeneDx
Classification: Likely benign. Last evaluated: 2019-05-01. Review status: criteria provided, single submitter. Criteria: GeneDx Variant Classification Process June 2021. Collection method: clinical testing. Allele origin: germline. Affected: yes.

Illumina Laboratory Services, Illumina
Classification: Uncertain significance for Congenital muscular dystrophy due to partial LAMA2 deficiency. Last evaluated: 2018-01-12. Review status: criteria provided, single submitter. Criteria: ICSL Variant Classification Criteria 13 December 2019. Collection method: clinical testing. Allele origin: germline.

Eurofins Ntd Llc (ga)
Classification: Uncertain significance. Last evaluated: 2017-04-21. Review status: criteria provided, single submitter. Criteria: EGL Classification Definitions 2015. Collection method: clinical testing. Allele origin: germline. Observed: 1 variant allele, 1 heterozygote.

Clinical Genetics DNA and cytogenetics Diagnostics Lab, Erasmus MC, Erasmus Medical Center
Classification: Likely benign. Review status: no assertion criteria provided. Collection method: clinical testing. Allele origin: germline. Affected: yes. Study: VKGL Data-share Consensus. Not counted in ClinVar's aggregate classification.

Genome Diagnostics Laboratory, University Medical Center Utrecht
Classification: Likely benign. Review status: no assertion criteria provided. Collection method: clinical testing. Allele origin: germline. Affected: yes. Study: VKGL Data-share Consensus. Not counted in ClinVar's aggregate classification.

NM_000426.4(LAMA2):c.4959+6G>T

Gene: LAMA2 (laminin subunit alpha 2; plus strand). Cytogenetic location: 6q22.33.
Variant type: single nucleotide variant.
Coding change: c.4959+6G>T on transcript NM_000426.4 (MANE Select); 6 bases into the intron after coding-DNA position 4959, G replaced by T.
Molecular consequence: intron variant.
Genome position (GRCh38, 1-based): chr6:129,369,996, G>T. VCF-style: chr6-129369996-G-T. GRCh37 (hg19) VCF-style: chr6-129691141-G-T.
Other names: p.?; c.4959+6G>T (NM_001079823.2).
Identifiers: ClinVar variation 355273 (VCV000355273.83), dbSNP rs148060790, ClinGen allele CA3993728.